The following is an entry in ClinVar:

NM_000059.4(BRCA2):c.8938A>T (p.Lys2980Ter)

Gene: BRCA2 (BRCA2 DNA repair associated; plus strand). Cytogenetic location: 13q13.1.
Variant type: single nucleotide variant.
Coding change: c.8938A>T on transcript NM_000059.4 (MANE Select); coding-DNA position 8938, A replaced by T.
Protein change: p.Lys2980Ter; replaces lysine 2980 with a stop codon.
Molecular consequence: nonsense.
Genome position (GRCh38, 1-based): chr13:32,379,500, A>T. VCF-style: chr13-32379500-A-T. GRCh37 (hg19) VCF-style: chr13-32953637-A-T.
Other names: 9166A>T Lys2980X; short protein forms K2980*.
Identifiers: ClinVar variation 267118 (VCV000267118.5), dbSNP rs886040802, ClinGen allele CA10589527.

ClinVar aggregate classification (germline): Pathogenic. Review status: reviewed by expert panel (3 of 4 stars). 2 submissions from 2 submitters: Pathogenic (1). 1 of the submissions does not count toward it. Last evaluated 2016-10-18.

Conditions:
Breast-ovarian cancer, familial, susceptibility to, 2 (BROVCA2). Also called: BRCA2 Hereditary Breast and Ovarian Cancer. Identifiers: Orphanet 145, MedGen C2675520, MONDO:0012933, OMIM 612555. Disease mechanism: loss of function.

Submissions (2):

Evidence-based Network for the Interpretation of Germline Mutant Alleles (ENIGMA)
Classification: Pathogenic for Breast-ovarian cancer, familial, susceptibility to, 2. Last evaluated: 2016-10-18. Review status: reviewed by expert panel. Criteria: ENIGMA BRCA1/2 Classification Criteria (2015). Collection method: curation. Allele origin: germline.
Comment: Variant allele predicted to encode a truncated non-functional protein.

Consortium of Investigators of Modifiers of BRCA1/2 (CIMBA), c/o University of Cambridge
Classification: Pathogenic for Breast-ovarian cancer, familial, susceptibility to, 2. Last evaluated: 2015-10-02. Review status: criteria provided, single submitter. Criteria: CIMBA Mutation Classification guidelines May 2016. Collection method: clinical testing. Allele origin: germline. Not counted in ClinVar's aggregate classification.